The following is an entry in ClinVar:

ClinVar aggregate classification (germline): Uncertain significance (1 of 4 stars; one submission).

Allele frequency attached by ClinVar (database versions not stated): TOPMed below 0.00001; gnomAD 0.00001.
gnomAD v4.1: 1 of 1,610,934 alleles (0.000062%); highest among the groups gnomAD compares: Non-Finnish European, 0.000085%; no homozygotes.

Submission:

CeGaT Center for Human Genetics Tuebingen
Classification: Uncertain significance. Last evaluated: 2024-05-01. Review status: criteria provided, single submitter. Criteria: CeGaT Center For Human Genetics Tuebingen Variant Classification Criteria Version 2. Collection method: clinical testing. Allele origin: germline. Affected: yes. Observed: 1 variant allele.
Comment: PARN: PM2, PVS1:Moderate, PP4

NM_002582.4(PARN):c.20-1G>A

Gene: PARN (poly(A)-specific ribonuclease; minus strand). Cytogenetic location: 16p13.12.
Variant type: single nucleotide variant.
Coding change: c.20-1G>A on transcript NM_002582.4 (MANE Select); the canonical splice acceptor site of the intron before coding-DNA position 20, G replaced by A.
Molecular consequence: splice acceptor variant.
Genome position (GRCh38, 1-based): chr16:14,629,675, C>T on the plus strand (G>A on the coding strand, the complement: PARN is on the minus strand). VCF-style: chr16-14629675-C-T. GRCh37 (hg19) VCF-style: chr16-14723532-C-T.
Other names: c.-164-1G>A (NM_001134477.3); c.20-1G>A (NM_001242992.2).
Identifiers: ClinVar variation 3239579 (VCV003239579.19), dbSNP rs1972908306.